The following is an entry in ClinVar:

NM_000138.5(FBN1):c.6805A>G (p.Ile2269Val)

Gene: FBN1 (fibrillin 1; minus strand). Cytogenetic location: 15q21.1.
Variant type: single nucleotide variant.
Coding change: c.6805A>G on transcript NM_000138.5 (MANE Select); coding-DNA position 6805, A replaced by G.
Protein change: p.Ile2269Val; replaces isoleucine 2269 with valine.
Molecular consequence: missense variant.
Genome position (GRCh38, 1-based): chr15:48,430,737, T>C on the plus strand (A>G on the coding strand, the complement: FBN1 is on the minus strand). VCF-style: chr15-48430737-T-C. GRCh37 (hg19) VCF-style: chr15-48722934-T-C.
Other names: c.6805A>G, p.Ile2269Val (NM_001406716.1); short protein forms I2269V.
Identifiers: ClinVar variation 5005424 (VCV005005424.2).
Genomic context (GRCh38, chr15:48,430,737, plus strand): 5'-AGCCTTCTCCATCAGGTCTCCGCTGATACCCGGGTCCACAGATGCACATATATGTGCCAA[T>C]GAGGTTCTTGCATTCCATTTGTTTTTCAGTACAGTCATGTTTTCCCTCTTCACACTCATC-3'
Protein context (NP_000129.3, residues 2259-2279): TEKQMECKNL[Ile2269Val]GTYMCICGPG

ClinVar aggregate classification (germline): Uncertain significance (1 of 4 stars; one submission).

Conditions:
Acromicric dysplasia (ACMICD). Also called: Acromicric skeletal dysplasia. Identifiers: Orphanet 969, MedGen C0265287, MONDO:0007055, OMIM 102370.
Progeroid and marfanoid aspect-lipodystrophy syndrome. Also called: MARFANOID-PROGEROID SYNDROME; MARFAN-PROGEROID-LIPODYSTROPHY SYNDROME; Marfan lipodystrophy syndrome; MARFANOID-PROGEROID-LIPODYSTROPHY SYNDROME. Identifiers: Orphanet 300382, MedGen C4310796, MONDO:0014831, OMIM 616914.
MASS syndrome (OCTD). Also called: OVERLAP CONNECTIVE TISSUE DISEASE; MASS PHENOTYPE. Identifiers: MedGen C1858556, MONDO:0011431, OMIM 604308.
Geleophysic dysplasia 2 (GPHYSD2). Identifiers: Orphanet 2623, MedGen C3280054, MONDO:0013612, OMIM 614185.
Weill-Marchesani syndrome 2, dominant. Also called: Weill-Marchesani Syndrome, Autosomal Dominant; FBN1-Related Weill-Marchesani Syndrome. Identifiers: Orphanet 2084, MedGen C1869115, MONDO:0012013, OMIM 608328.
Stiff skin syndrome (SSKS). Identifiers: Orphanet 2833, MedGen C1861456, MONDO:0008492, OMIM 184900.
Marfan syndrome (MFS). Also called: Marfan syndrome type 1; FBN1-Related Marfan Syndrome; MARFAN SYNDROME, TYPE I; Marfan's syndrome; Marfan syndrome, classic. Identifiers: Orphanet 284963, Orphanet 558, MedGen C0024796, MONDO:0007947, OMIM 154700.
Ectopia lentis 1, isolated, autosomal dominant (ECTOL1). Identifiers: Orphanet 1885, MedGen C3541518, MONDO:0007514, OMIM 129600.

Submission:

Juno Genomics, Hangzhou Juno Genomics, Inc
Classification: Uncertain significance for Acromicric dysplasia; Ectopia lentis 1, isolated, autosomal dominant; Geleophysic dysplasia 2; Progeroid and marfanoid aspect-lipodystrophy syndrome; Marfan syndrome; MASS syndrome; Stiff skin syndrome; Weill-Marchesani syndrome 2, dominant. Review status: criteria provided, single submitter. Criteria: ACMG Guidelines, 2015. Collection method: clinical testing. Allele origin: germline.
Comment: Absent from controls (or at extremely low frequency if recessive) in Genome Aggregation Database.;Novel missense change at an amino acid residue where a different missense change determined to be pathogenic has been seen before.;Missense variant in a gene that has a low rate of benign missense variation.